The following is an entry in ClinVar:

ClinVar aggregate classification (germline): Pathogenic/Likely pathogenic. Review status: criteria provided, multiple submitters, no conflicts (2 of 4 stars). 10 submissions from 9 submitters: Pathogenic (6); Likely pathogenic (1). 3 of the submissions do not count toward it. Last evaluated 2026-04-01.

Conditions:
DCX-related disorder. Also called: DCX-related condition; DCX-Related Disorders. Identifiers: MedGen CN381525.
Inborn genetic diseases. Identifiers: MedGen C0950123, MeSH D030342.
Lissencephaly type 1 due to doublecortin gene mutation. Also called: LISSENCEPHALY AND AGENESIS OF CORPUS CALLOSUM; LISSENCEPHALY, X-LINKED, 1. Identifiers: Orphanet 2148, MedGen C4551968, MONDO:0010239, OMIM 300067.
Subcortical laminar heterotopia, X-linked (SCLH). Also called: Subcortical laminal heterotopia, X-linked. Identifiers: MedGen C1848070.
Abnormal cerebral morphology. Also called: Abnormality of the cerebrum. Identifiers: MedGen C4021762, HP:0002060.
Ectopic tissue. Also called: Heterotopia. Identifiers: MedGen C0008519.

Allele frequency attached by ClinVar (database versions not stated): gnomAD 0.00001.

Submissions (10):

CeGaT Center for Human Genetics Tuebingen
Classification: Likely pathogenic. Last evaluated: 2026-04-01. Review status: criteria provided, single submitter. Criteria: CeGaT Center For Human Genetics Tuebingen Variant Classification Criteria Version 2. Collection method: clinical testing. Allele origin: germline. Affected: yes. Observed: 1 variant allele.
Comment: DCX: PM1, PM2, PS4:Moderate, PP2, PS3:Supporting

Labcorp Genetics (formerly Invitae), Labcorp
Classification: Pathogenic. Last evaluated: 2025-12-01. Review status: criteria provided, single submitter. Criteria: Invitae Variant Classification Sherloc (09022015). Collection method: clinical testing. Allele origin: germline.
Comment: This sequence change replaces arginine, which is basic and polar, with histidine, which is basic and polar, at codon 196 of the DCX protein (p.Arg196His). This variant is not present in population databases (gnomAD no frequency). This missense change has been observed in individuals with lissencephaly (PMID: 11468322, 18685874). It has also been observed to segregate with disease in related individuals. ClinVar contains an entry for this variant (Variation ID: 11609). Invitae Evidence Modeling of protein sequence and biophysical properties (such as structural, functional, and spatial information, amino acid conservation, physicochemical variation, residue mobility, and thermodynamic stability) indicates that this missense variant is expected to disrupt DCX protein function with a positive predictive value of 80%. This variant disrupts the p.Arg196 amino acid residue in DCX. Other variant(s) that disrupt this residue have been observed in individuals with DCX-related conditions (PMID: 18685874), which suggests that this may be a clinically significant amino acid residue. For these reasons, this variant has been classified as Pathogenic.

GeneDx
Classification: Pathogenic. Last evaluated: 2023-08-25. Review status: criteria provided, single submitter. Criteria: GeneDx Variant Classification Process June 2021. Collection method: clinical testing. Allele origin: germline. Affected: yes.
Comment: Not observed at significant frequency in large population cohorts (gnomAD); In silico analysis supports that this missense variant has a deleterious effect on protein structure/function; This variant is associated with the following publications: (PMID: 18685874, 12692530, 11175293, 25868952, 11468322, 23365099, 35213059)

Blueprint Genetics
Classification: Pathogenic for DCX-related disorders. Last evaluated: 2023-05-29. Review status: criteria provided, single submitter. Criteria: ACMG Guidelines, 2015. Collection method: clinical testing. Allele origin: germline. Affected: yes. Observed: 1 variant allele.

Ambry Genetics
Classification: Pathogenic for Inborn genetic diseases. Last evaluated: 2022-06-09. Review status: criteria provided, single submitter. Criteria: Ambry Variant Classification Scheme 2023. Collection method: clinical testing. Allele origin: germline.
Comment: The c.587G>A (p.R196H) alteration is located in exon 3 (coding exon 2) of the DCX gene. This alteration results from a G to A substitution at nucleotide position 587, causing the arginine (R) at amino acid position 196 to be replaced by a histidine (H). This variant was not reported in population-based cohorts in the Genome Aggregation Database (gnomAD). This alteration was detected in multiple individuals with DCX-related lissencephaly (Matsumoto, 2001; Demelas, 2001; Leger, 2008; Bahi-Buisson, 2013; Lin, 2022). This amino acid position is highly conserved in available vertebrate species. This missense alteration is located in a region that has a low rate of benign missense variation (Lek, 2016; Firth, 2009). Functional assays show impaired microtubule growth in a human cell line compared to controls (Lin, 2022). This alteration is predicted to be deleterious by in silico analysis. Based on the available evidence, this alteration is classified as pathogenic.

Genetic Services Laboratory, University of Chicago
Classification: Pathogenic for Abnormality of neuronal migration. Last evaluated: 2013-02-08. Review status: criteria provided, single submitter. Criteria: ACMG Guidelines, 2007. Collection method: clinical testing. Allele origin: germline. Inheritance: Autosomal dominant inheritance. Affected: yes.

Institute of Human Genetics, University Hospital of Duesseldorf
Classification: Pathogenic for Lissencephaly type 1 due to doublecortin gene mutation. Review status: criteria provided, single submitter. Criteria: ACMG Guidelines, 2015. Collection method: not provided. Allele origin: germline. Inheritance: X-linked dominant inheritance. Affected: yes.

OMIM
Classification: Pathogenic for LISSENCEPHALY, X-LINKED, 1. Last evaluated: 2001-07-24. Review status: no assertion criteria provided. Collection method: literature only. Allele origin: germline. Not counted in ClinVar's aggregate classification.

OMIM
Classification: Pathogenic for SUBCORTICAL LAMINAR HETEROTOPIA, X-LINKED. Last evaluated: 2001-07-24. Review status: no assertion criteria provided. Collection method: literature only. Allele origin: germline. Not counted in ClinVar's aggregate classification.

Diagnostic Laboratory, Strasbourg University Hospital
Classification: Uncertain significance for Abnormal cerebral morphology. Review status: no assertion criteria provided. Collection method: clinical testing. Allele origin: germline. Affected: yes. Observed: 1 heterozygote. Not counted in ClinVar's aggregate classification.

Literature cited by the submitters: PubMed 11468322 (cited by 3 submitters); PubMed 18685874 (cited by Labcorp Genetics (formerly Invitae), Labcorp and Ambry Genetics); PubMed 11175293 (cited by Ambry Genetics); PubMed 23365099 (cited by Ambry Genetics); PubMed 35213059 (cited by Ambry Genetics).

NM_001195553.2(DCX):c.587G>A (p.Arg196His)

Gene: DCX (doublecortin; minus strand). Cytogenetic location: Xq23.
Variant type: single nucleotide variant.
Coding change: c.587G>A on transcript NM_001195553.2 (MANE Select); coding-DNA position 587, G replaced by A.
Protein change: p.Arg196His; replaces arginine 196 with histidine.
Molecular consequence: missense variant.
Genome position (GRCh38, 1-based): chrX:111,401,108, C>T on the plus strand (G>A on the coding strand, the complement: DCX is on the minus strand). VCF-style: chrX-111401108-C-T. GRCh37 (hg19) VCF-style: chrX-110644336-C-T.
Other names: c.830G>A, p.Arg277His (NM_000555.3); c.587G>A, p.Arg196His (NM_001369370.1, NM_001369371.1, NM_001369372.1 and 5 more transcripts); c.587G>A (NM_178153.2); short protein forms R196H, R277H.
Identifiers: ClinVar variation 11609 (VCV000011609.24), dbSNP rs56030372, ClinGen allele CA121606.